The following is an entry in ClinVar:

ClinVar aggregate classification (germline): Uncertain significance (1 of 4 stars; one submission).

Submission:

GeneDx
Classification: Uncertain significance. Last evaluated: 2024-06-17. Review status: criteria provided, single submitter. Criteria: GeneDx Variant Classification Process June 2021. Collection method: clinical testing. Allele origin: germline. Affected: yes.
Comment: Not observed at significant frequency in large population cohorts (gnomAD); In silico analysis supports that this missense variant has a deleterious effect on protein structure/function; Has not been previously published as pathogenic or benign to our knowledge

NM_001374828.1(ARID1B):c.2986C>A (p.Gln996Lys)

Gene: ARID1B (AT-rich interaction domain 1B; plus strand). Cytogenetic location: 6q25.3.
Variant type: single nucleotide variant.
Coding change: c.2986C>A on transcript NM_001374828.1 (MANE Select); coding-DNA position 2986, C replaced by A.
Protein change: p.Gln996Lys; replaces glutamine 996 with lysine.
Molecular consequence: missense variant.
Genome position (GRCh38, 1-based): chr6:157,148,848, C>A. VCF-style: chr6-157148848-C-A. GRCh37 (hg19) VCF-style: chr6-157469982-C-A.
Other names: c.487C>A, p.Gln163Lys (NM_001363725.2); c.3025C>A, p.Gln1009Lys (NM_001371656.1, NM_001374820.1); c.2986C>A, p.Gln996Lys (NM_017519.3); c.2776C>A (NM_020732.3); short protein forms Q1009K, Q163K, Q996K.
Identifiers: ClinVar variation 3391676 (VCV003391676.1).